The following is an entry in ClinVar:

ClinVar aggregate classification (germline): Uncertain significance (1 of 4 stars; one submission).

Conditions:
Cardiomyopathy (CMYO). Also called: Cardiomyopathies. Identifiers: Orphanet 167848, MedGen C0878544, MONDO:0004994, HP:0001638. Inheritance: Various modes of inheritance.

Submission:

Color Diagnostics, LLC DBA Color Health
Classification: Uncertain significance for Cardiomyopathy. Last evaluated: 2025-07-09. Review status: criteria provided, single submitter. Criteria: ACMG Guidelines, 2015. Collection method: clinical testing. Allele origin: germline.
Comment: This variant inserts 50 nucleotides in exon 103 of the RYR2 gene, creating a frameshift and premature translation stop signal. This variant is expected to result in an absent or non-functional protein product. To our knowledge, this variant has not been reported in individuals affected with RYR2-related disorders in the literature. This variant has not been identified in the general population by the Genome Aggregation Database (gnomAD). Clinical relevance of loss-of-function RYR2 truncation variants in autosomal dominant cardiovascular disorders is not clearly established. The available evidence is insufficient to determine the role of this variant in disease conclusively. Therefore, this variant is classified as a Variant of Uncertain Significance.

NM_001035.3(RYR2):c.14747_14748insACTGTGCCACATGGCTTTGAAACCCACACTTTACAGGAGCACAACTTGGC (p.Asn4917fs)

Gene: RYR2 (ryanodine receptor 2; plus strand). Cytogenetic location: 1q43.
Variant type: Insertion.
Coding change: c.14747_14748insACTGTGCCACATGGCTTTGAAACCCACACTTTACAGGAGCACAACTTGGC on transcript NM_001035.3 (MANE Select); coding-DNA positions 14747 to 14748, ACTGTGCCACATGGCTTTGAAACCCACACTTTACAGGAGCACAACTTGGC inserted.
Protein change: p.Asn4917fs; shifts the reading frame from asparagine 4917.
Molecular consequence: frameshift variant.
Genome position: GRCh38: chr1:237,830,621-237,830,622. GRCh37 (hg19): chr1:237,993,921-237,993,922.
Other names: short protein forms N4917fs.
Identifiers: ClinVar variation 4758928 (VCV004758928.1).